The following is an entry in ClinVar:

NM_145290.4(ADGRA3):c.3478G>A (p.Val1160Ile)

Gene: ADGRA3 (adhesion G protein-coupled receptor A3; minus strand). Cytogenetic location: 4p15.2.
Variant type: single nucleotide variant.
Coding change: c.3478G>A on transcript NM_145290.4 (MANE Select); coding-DNA position 3478, G replaced by A.
Protein change: p.Val1160Ile; replaces valine 1160 with isoleucine.
Molecular consequence: missense variant.
Genome position (GRCh38, 1-based): chr4:22,388,193, C>T on the plus strand (G>A on the coding strand, the complement: ADGRA3 is on the minus strand). VCF-style: chr4-22388193-C-T. GRCh37 (hg19) VCF-style: chr4-22389816-C-T.
Other names: short protein forms V1160I.
Identifiers: ClinVar variation 1356677 (VCV001356677.8), dbSNP rs199616944, ClinGen allele CA93480109.

ClinVar aggregate classification (germline): Uncertain significance (1 of 4 stars; one submission).

Allele frequency attached by ClinVar (database versions not stated): gnomAD exomes below 0.00001; gnomAD 0.00001; 1000 Genomes Project 30x 0.00016; 1000 Genomes Project 0.00020.
gnomAD v4.1: 6 of 1,614,098 alleles (0.00037%); highest among the groups gnomAD compares: South Asian, 0.0022%; no homozygotes.

Submission:

Labcorp Genetics (formerly Invitae), Labcorp
Classification: Uncertain significance. Last evaluated: 2021-05-27. Review status: criteria provided, single submitter. Criteria: Invitae Variant Classification Sherloc (09022015). Collection method: clinical testing. Allele origin: germline.
Comment: In summary, the available evidence is currently insufficient to determine the role of this variant in disease. Therefore, it has been classified as a Variant of Uncertain Significance. Algorithms developed to predict the effect of missense changes on protein structure and function (SIFT, PolyPhen-2, Align-GVGD) all suggest that this variant is likely to be tolerated, but these predictions have not been confirmed by published functional studies and their clinical significance is uncertain. This variant has not been reported in the literature in individuals with ADGRA3-related conditions. This variant is not present in population databases (ExAC no frequency). This sequence change replaces valine with isoleucine at codon 1160 of the ADGRA3 protein (p.Val1160Ile). The valine residue is moderately conserved and there is a small physicochemical difference between valine and isoleucine.